The following is an entry in ClinVar:

NM_203447.4(DOCK8):c.3194G>A (p.Arg1065Gln)

Gene: DOCK8 (dedicator of cytokinesis 8; plus strand). Cytogenetic location: 9p24.3.
Variant type: single nucleotide variant.
Coding change: c.3194G>A on transcript NM_203447.4 (MANE Select); coding-DNA position 3194, G replaced by A.
Protein change: p.Arg1065Gln; replaces arginine 1065 with glutamine.
Molecular consequence: missense variant.
Genome position (GRCh38, 1-based): chr9:399,219, G>A. VCF-style: chr9-399219-G-A. GRCh37 (hg19) VCF-style: chr9-399219-G-A.
Other names: c.2894G>A, p.Arg965Gln (NM_001190458.2); c.2990G>A, p.Arg997Gln (NM_001193536.2); short protein forms R1065Q, R965Q, R997Q.
Identifiers: ClinVar variation 1010459 (VCV001010459.6), dbSNP rs369239221, ClinGen allele CA4958551.

ClinVar aggregate classification (germline): Uncertain significance (1 of 4 stars; one submission).

Conditions:
Combined immunodeficiency due to DOCK8 deficiency (HIES2). Also called: HIES autosomal recessive; Hyper-IgE recurrent infection syndrome, autosomal recessive; DOCK8 Deficiency; HYPER-IgE RECURRENT INFECTION SYNDROME 2, AUTOSOMAL RECESSIVE; HYPER-IgE SYNDROME 2, AUTOSOMAL RECESSIVE, WITH RECURRENT INFECTIONS. Identifiers: Orphanet 217390, MedGen C4722305, MONDO:0009478, OMIM 243700.

Allele frequency attached by ClinVar (database versions not stated): TOPMed 0.00004; ESP Exome Variant Server 0.00008.
gnomAD v4.1: 39 of 1,613,804 alleles (0.0024%); highest among the groups gnomAD compares: South Asian, 0.014%; 1 homozygote.

Submission:

Labcorp Genetics (formerly Invitae), Labcorp
Classification: Uncertain significance for Combined immunodeficiency due to DOCK8 deficiency. Last evaluated: 2022-08-21. Review status: criteria provided, single submitter. Criteria: Invitae Variant Classification Sherloc (09022015). Collection method: clinical testing. Allele origin: germline.
Comment: This sequence change replaces arginine, which is basic and polar, with glutamine, which is neutral and polar, at codon 1065 of the DOCK8 protein (p.Arg1065Gln). This variant is present in population databases (rs369239221, gnomAD 0.02%). This variant has not been reported in the literature in individuals affected with DOCK8-related conditions. ClinVar contains an entry for this variant (Variation ID: 1010459). Algorithms developed to predict the effect of missense changes on protein structure and function are either unavailable or do not agree on the potential impact of this missense change (SIFT: "Deleterious"; PolyPhen-2: "Benign"; Align-GVGD: "Class C0"). Algorithms developed to predict the effect of sequence changes on RNA splicing suggest that this variant may create or strengthen a splice site. In summary, the available evidence is currently insufficient to determine the role of this variant in disease. Therefore, it has been classified as a Variant of Uncertain Significance.